The following is an entry in ClinVar:

ClinVar aggregate classification (germline): Uncertain significance (1 of 4 stars; one submission).

Conditions:
Cardiovascular phenotype. Identifiers: MedGen CN230736.

Submission:

Ambry Genetics
Classification: Uncertain significance for Cardiovascular phenotype. Last evaluated: 2022-08-16. Review status: criteria provided, single submitter. Criteria: Ambry Variant Classification Scheme 2023. Collection method: clinical testing. Allele origin: germline.
Comment: The p.S715P variant (also known as c.2143T>C), located in coding exon 10 of the MYPN gene, results from a T to C substitution at nucleotide position 2143. The serine at codon 715 is replaced by proline, an amino acid with similar properties. This amino acid position is conserved. In addition, this alteration is predicted to be tolerated by in silico analysis. Since supporting evidence is limited at this time, the clinical significance of this alteration remains unclear.

NM_032578.4(MYPN):c.2143T>C (p.Ser715Pro)

Gene: MYPN (myopalladin; plus strand). Cytogenetic location: 10q21.3.
Variant type: single nucleotide variant.
Coding change: c.2143T>C on transcript NM_032578.4 (MANE Select); coding-DNA position 2143, T replaced by C.
Protein change: p.Ser715Pro; replaces serine 715 with proline.
Molecular consequence: missense variant. On other transcripts: non-coding transcript variant (2).
Genome position (GRCh38, 1-based): chr10:68,174,235, T>C. VCF-style: chr10-68174235-T-C. GRCh37 (hg19) VCF-style: chr10-69933992-T-C.
Other names: c.2143T>C, p.Ser715Pro (NM_001256267.2); c.1261T>C, p.Ser421Pro (NM_001256268.2); short protein forms S421P, S715P.
Identifiers: ClinVar variation 1786622 (VCV001786622.2), dbSNP rs2495792699, ClinGen allele CA376844766.